The following is an entry in ClinVar:

ClinVar aggregate classification (germline): conflicting data from submitters (0 of 4 stars; one submission).

Submission:

ISCA site 4
Classification: conflicting data from submitters. Last evaluated: 2010-10-30. Review status: no assertion criteria provided. Collection method: clinical testing. Allele origin: unknown. Affected: yes. Observed: 2 variant alleles.
Comment: Uncertain significance(1), Likely benign (1)

Copy number variation identified through the course of routine clinical cytogenomic testing in postnatal populations, with clinical assertions as classified by the original submitter.

GRCh38/hg38 18q22.3(chr18:73273978-73941444)x1

Genes: LINC02582 (long intergenic non-protein coding RNA 2582; plus strand), LOC107992389 (chr18 t(4;18)(q35;q18) HERV-H recombination region; plus strand), LOC126862792 (CDK7 strongly-dependent group 2 enhancer GRCh37_chr18:71230790-71231989; plus strand), LOC126862793 (MED14-independent group 3 enhancer GRCh37_chr18:71362654-71363853; plus strand), LOC126862794 (CDK7 strongly-dependent group 2 enhancer GRCh37_chr18:71382077-71383276; plus strand) and 5 more. Cytogenetic location: 18q22.3.
Variant type: copy number loss.
Change: copy number 1 (one copy instead of two) of chr18:73,273,978-73,941,444 (667.5 kb, GRCh38 coordinates, 1-based), cytogenetic band 18q22.3.
Identifiers: ClinVar variation 144663 (VCV000144663.2).